The following is an entry in ClinVar:

NM_000327.4(ROM1):c.81G>T (p.Leu27=)

Gene: ROM1 (retinal outer segment membrane protein 1; plus strand). Cytogenetic location: 11q12.3.
Variant type: single nucleotide variant.
Coding change: c.81G>T on transcript NM_000327.4 (MANE Select); coding-DNA position 81, G replaced by T.
Protein change: p.Leu27=; no amino-acid change (leucine 27 retained).
Molecular consequence: synonymous variant.
Genome position (GRCh38, 1-based): chr11:62,613,362, G>T. VCF-style: chr11-62613362-G-T. GRCh37 (hg19) VCF-style: chr11-62380834-G-T.
Identifiers: ClinVar variation 193086 (VCV000193086.45), dbSNP rs148196509, ClinGen allele CA238593.

ClinVar aggregate classification (germline): Conflicting classifications of pathogenicity. Review status: criteria provided, conflicting classifications (1 of 4 stars). 7 submissions from 7 submitters: Uncertain significance (1); Likely benign (4). 2 of the submissions do not count toward it. Last evaluated 2026-01-27.

Conditions:
Retinitis pigmentosa (RP). Identifiers: Orphanet 791, MedGen C0035334, MeSH D012174, MONDO:0019200, OMIM 268000. Inheritance: Autosomal dominant, autosomal recessive and X linked inheritance.

Allele frequency attached by ClinVar (database versions not stated): 1000 Genomes Project 30x 0.00016; 1000 Genomes Project 0.00020; gnomAD exomes 0.00126 and 0.00211; TOPMed 0.00127; ExAC 0.00136; gnomAD 0.00146 and 0.00152; ESP Exome Variant Server 0.00154.

Submissions (7):

Labcorp Genetics (formerly Invitae), Labcorp
Classification: Likely benign. Last evaluated: 2026-01-27. Review status: criteria provided, single submitter. Criteria: Invitae Variant Classification Sherloc (09022015). Collection method: clinical testing. Allele origin: germline.

Blueprint Genetics
Classification: Likely benign. Last evaluated: 2024-11-20. Review status: criteria provided, single submitter. Criteria: ACMG Guidelines, 2015. Collection method: clinical testing. Allele origin: germline.

CeGaT Center for Human Genetics Tuebingen
Classification: Likely benign. Last evaluated: 2023-12-01. Review status: criteria provided, single submitter. Criteria: CeGaT Center For Human Genetics Tuebingen Variant Classification Criteria Version 2. Collection method: clinical testing. Allele origin: germline. Affected: yes. Observed: 1 variant allele.
Comment: ROM1: BP4, BP7

Illumina Laboratory Services, Illumina
Classification: Likely benign for Retinitis pigmentosa. Last evaluated: 2018-01-12. Review status: criteria provided, single submitter. Criteria: ICSL Variant Classification Criteria 13 December 2019. Collection method: clinical testing. Allele origin: germline.
Comment: This variant was observed in the ICSL laboratory as part of a predisposition screen in an ostensibly healthy population. It had not been previously curated by ICSL or reported in the Human Gene Mutation Database (HGMD: prior to June 1st, 2018), and was therefore a candidate for classification through an automated scoring system. Utilizing variant allele frequency, disease prevalence and penetrance estimates, and inheritance mode, an automated score was calculated to assess if this variant is too frequent to cause the disease. Based on the score and internal cut-off values, a variant classified as likely benign is not then subjected to further curation. The score for this variant resulted in a classification of likely benign for this disease.

Eurofins Ntd Llc (ga)
Classification: Uncertain significance. Last evaluated: 2014-06-25. Review status: criteria provided, single submitter. Criteria: EGL Classification Definitions 2015. Collection method: clinical testing. Allele origin: germline. Observed: 1 variant allele, 1 heterozygote.

Clinical Genetics DNA and cytogenetics Diagnostics Lab, Erasmus MC, Erasmus Medical Center
Classification: Likely benign. Review status: no assertion criteria provided. Collection method: clinical testing. Allele origin: germline. Affected: yes. Study: VKGL Data-share Consensus. Not counted in ClinVar's aggregate classification.

Clinical Genetics, Academic Medical Center
Classification: Benign. Review status: no assertion criteria provided. Collection method: clinical testing. Allele origin: germline. Affected: yes. Study: VKGL Data-share Consensus. Not counted in ClinVar's aggregate classification.

Literature cited by the submitters: PubMed 9331261 (cited by Eurofins Ntd Llc (ga)).